The following is an entry in ClinVar:

ClinVar aggregate classification (germline): Uncertain significance. Review status: criteria provided, multiple submitters, no conflicts (2 of 4 stars). 2 submissions from 2 submitters: Uncertain significance (2). Last evaluated 2025-06-06.

Conditions:
Inborn genetic diseases. Identifiers: MedGen C0950123, MeSH D030342.

Submissions (2):

Ambry Genetics
Classification: Uncertain significance for Inborn genetic diseases. Last evaluated: 2025-06-06. Review status: criteria provided, single submitter. Criteria: Ambry Variant Classification Scheme 2023. Collection method: clinical testing. Allele origin: germline.

Labcorp Genetics (formerly Invitae), Labcorp
Classification: Uncertain significance. Last evaluated: 2025-03-27. Review status: criteria provided, single submitter. Criteria: Invitae Variant Classification Sherloc (09022015). Collection method: clinical testing. Allele origin: germline.
Comment: This sequence change replaces proline, which is neutral and non-polar, with alanine, which is neutral and non-polar, at codon 562 of the COL8A2 protein (p.Pro562Ala). This variant is present in population databases (rs553701703, gnomAD 0.003%). This variant has not been reported in the literature in individuals affected with COL8A2-related conditions. An algorithm developed to predict the effect of missense changes on protein structure and function (PolyPhen-2) suggests that this variant is likely to be disruptive. In summary, the available evidence is currently insufficient to determine the role of this variant in disease. Therefore, it has been classified as a Variant of Uncertain Significance.

NM_005202.4(COL8A2):c.1684C>G (p.Pro562Ala)

Gene: COL8A2 (collagen type VIII alpha 2 chain; minus strand). Cytogenetic location: 1p34.3.
Variant type: single nucleotide variant.
Coding change: c.1684C>G on transcript NM_005202.4 (MANE Select); coding-DNA position 1684, C replaced by G.
Protein change: p.Pro562Ala; replaces proline 562 with alanine.
Molecular consequence: missense variant.
Genome position (GRCh38, 1-based): chr1:36,097,997, G>C on the plus strand (C>G on the coding strand, the complement: COL8A2 is on the minus strand). VCF-style: chr1-36097997-G-C. GRCh37 (hg19) VCF-style: chr1-36563598-G-C.
Other names: c.1684C>G (NM_005202.2); c.1489C>G, p.Pro497Ala (NM_001294347.2); short protein forms P497A, P562A.
Identifiers: ClinVar variation 3607589 (VCV003607589.3).
Genomic context (GRCh38, chr1:36,097,997, plus strand): 5'-TGAGCACCGCAGTGAAGGCCGGTGTGGCATGGGCAGACAGCTCGCCCAGCCCAAACTGTG[G>C]CTTGCCCCCCTTGCCCAGCACGGCACCCTCCACACCGCCGTTGGGCAGGTGCAAGCCTGC-3'
Protein context (NP_005193.1, residues 552-572): EGAVLGKGGK[Pro562Ala]QFGLGELSAH